The following is an entry in ClinVar:

ClinVar aggregate classification (germline): Uncertain significance. Review status: criteria provided, single submitter (1 of 4 stars). 2 submissions from 2 submitters: Uncertain significance (1). 1 of the submissions does not count toward it. Last evaluated 2022-08-23.

Conditions:
Primary ciliary dyskinesia. Also called: Ciliary dyskinesia. Identifiers: Orphanet 244, MedGen C0008780, MONDO:0016575, HP:0012265.

Allele frequency attached by ClinVar (database versions not stated): TOPMed below 0.00001.
gnomAD v4.1: 1 of 1,614,174 alleles (0.000062%); no homozygotes.

Submissions (2):

Labcorp Genetics (formerly Invitae), Labcorp
Classification: Uncertain significance for Primary ciliary dyskinesia. Last evaluated: 2022-08-23. Review status: criteria provided, single submitter. Criteria: Invitae Variant Classification Sherloc (09022015). Collection method: clinical testing. Allele origin: germline.
Comment: This sequence change replaces glutamic acid, which is acidic and polar, with lysine, which is basic and polar, at codon 393 of the DNAI2 protein (p.Glu393Lys). This variant is not present in population databases (gnomAD no frequency). This variant has not been reported in the literature in individuals affected with DNAI2-related conditions. ClinVar contains an entry for this variant (Variation ID: 942596). Algorithms developed to predict the effect of missense changes on protein structure and function are either unavailable or do not agree on the potential impact of this missense change (SIFT: "Deleterious"; PolyPhen-2: "Probably Damaging"; Align-GVGD: "Class C0"). In summary, the available evidence is currently insufficient to determine the role of this variant in disease. Therefore, it has been classified as a Variant of Uncertain Significance.

Natera, Inc.
Classification: Uncertain significance for Primary ciliary dyskinesia. Last evaluated: 2021-07-23. Review status: no assertion criteria provided. Collection method: clinical testing. Allele origin: germline. Not counted in ClinVar's aggregate classification.

NM_023036.6(DNAI2):c.1177G>A (p.Glu393Lys)

Gene: DNAI2 (dynein axonemal intermediate chain 2; plus strand). Cytogenetic location: 17q25.1.
Variant type: single nucleotide variant.
Coding change: c.1177G>A on transcript NM_023036.6 (MANE Select); coding-DNA position 1177, G replaced by A.
Protein change: p.Glu393Lys; replaces glutamic acid 393 with lysine.
Molecular consequence: missense variant. On other transcripts: non-coding transcript variant (1).
Genome position (GRCh38, 1-based): chr17:74,305,408, G>A. VCF-style: chr17-74305408-G-A. GRCh37 (hg19) VCF-style: chr17-72301547-G-A.
Other names: c.1177G>A, p.Glu393Lys (NM_001172810.3, NM_001353167.2); short protein forms E393K.
Identifiers: ClinVar variation 942596 (VCV000942596.11), dbSNP rs1204464128, ClinGen allele CA400910393.